The following is an entry in ClinVar:

NM_016151.4(TAOK2):c.3568C>T (p.Arg1190Trp)

Gene: TAOK2 (TAO kinase 2; plus strand). Cytogenetic location: 16p11.2.
Variant type: single nucleotide variant.
Coding change: c.3568C>T on transcript NM_016151.4 (MANE Select); coding-DNA position 3568, C replaced by T.
Protein change: p.Arg1190Trp; replaces arginine 1190 with tryptophan.
Molecular consequence: missense variant. On other transcripts: intron variant (1).
Genome position (GRCh38, 1-based): chr16:29,987,840, C>T. VCF-style: chr16-29987840-C-T. GRCh37 (hg19) VCF-style: chr16-29999161-C-T.
Other names: c.3568C>T (NM_016151.2); c.3229C>T, p.Arg1077Trp (NM_001252043.2); c.2232+1336C>T (NM_004783.4); short protein forms R1190W, R1077W.
Identifiers: ClinVar variation 1385382 (VCV001385382.9), dbSNP rs756806042, ClinGen allele CA7998596.

ClinVar aggregate classification (germline): Uncertain significance. Review status: criteria provided, multiple submitters, no conflicts (2 of 4 stars). 2 submissions from 2 submitters: Uncertain significance (2). Last evaluated 2024-11-11.

Allele frequency attached by ClinVar (database versions not stated): ExAC 0.00002.
gnomAD v4.1: 104 of 1,611,680 alleles (0.0065%); highest among the groups gnomAD compares: Non-Finnish European, 0.008%; no homozygotes.

Submissions (2):

Ambry Genetics
Classification: Uncertain significance. Last evaluated: 2024-11-11. Review status: criteria provided, single submitter. Criteria: Ambry Variant Classification Scheme 2023. Collection method: clinical testing. Allele origin: germline.

Labcorp Genetics (formerly Invitae), Labcorp
Classification: Uncertain significance. Last evaluated: 2023-06-28. Review status: criteria provided, single submitter. Criteria: Invitae Variant Classification Sherloc (09022015). Collection method: clinical testing. Allele origin: germline.
Comment: This variant is present in population databases (rs756806042, gnomAD 0.009%). This sequence change replaces arginine, which is basic and polar, with tryptophan, which is neutral and slightly polar, at codon 1190 of the TAOK2 protein (p.Arg1190Trp). This variant has not been reported in the literature in individuals affected with TAOK2-related conditions. In summary, the available evidence is currently insufficient to determine the role of this variant in disease. Therefore, it has been classified as a Variant of Uncertain Significance. An algorithm developed to predict the effect of missense changes on protein structure and function (PolyPhen-2) suggests that this variant is likely to be disruptive. ClinVar contains an entry for this variant (Variation ID: 1385382).